The following is an entry in ClinVar:

NM_020821.3(VPS13C):c.3652A>G (p.Thr1218Ala)

Gene: VPS13C (vacuolar protein sorting 13 homolog C; minus strand). Cytogenetic location: 15q22.2.
Variant type: single nucleotide variant.
Coding change: c.3652A>G on transcript NM_020821.3 (MANE Select); coding-DNA position 3652, A replaced by G.
Protein change: p.Thr1218Ala; replaces threonine 1218 with alanine.
Molecular consequence: missense variant.
Genome position (GRCh38, 1-based): chr15:61,961,845, T>C on the plus strand (A>G on the coding strand, the complement: VPS13C is on the minus strand). VCF-style: chr15-61961845-T-C. GRCh37 (hg19) VCF-style: chr15-62254044-T-C.
Other names: c.3652A>G, p.Thr1218Ala (NM_001018088.3); c.3523A>G, p.Thr1175Ala (NM_017684.5, NM_018080.4); short protein forms T1175A, T1218A.
Identifiers: ClinVar variation 2143036 (VCV002143036.4), dbSNP rs1432205337, ClinGen allele CA392703696.

ClinVar aggregate classification (germline): Uncertain significance (1 of 4 stars; one submission).

Allele frequency attached by ClinVar (database versions not stated): gnomAD 0.00001; TOPMed 0.00001; gnomAD exomes 0.00002.
gnomAD v4.1: 29 of 1,613,802 alleles (0.0018%); highest among the groups gnomAD compares: Non-Finnish European, 0.0024%; no homozygotes.

Submission:

Labcorp Genetics (formerly Invitae), Labcorp
Classification: Uncertain significance. Last evaluated: 2022-05-25. Review status: criteria provided, single submitter. Criteria: Invitae Variant Classification Sherloc (09022015). Collection method: clinical testing. Allele origin: germline.
Comment: In summary, the available evidence is currently insufficient to determine the role of this variant in disease. Therefore, it has been classified as a Variant of Uncertain Significance. Algorithms developed to predict the effect of missense changes on protein structure and function are either unavailable or do not agree on the potential impact of this missense change (SIFT: "Deleterious"; PolyPhen-2: "Probably Damaging"; Align-GVGD: "Class C0"). This missense change has been observed in individual(s) with Lewy body disease (PMID: 33579389). This variant is present in population databases (no rsID available, gnomAD 0.004%). This sequence change replaces threonine, which is neutral and polar, with alanine, which is neutral and non-polar, at codon 1218 of the VPS13C protein (p.Thr1218Ala).

Literature cited by the submitters: PubMed 33579389.